The following is an entry in ClinVar:

ClinVar aggregate classification (germline): Uncertain significance (1 of 4 stars; one submission).

Conditions:
Dilated cardiomyopathy 1JJ (CMD1JJ). Identifiers: Orphanet 154, MedGen C3808935, MONDO:0014095, OMIM 615235.

Submission:

Labcorp Genetics (formerly Invitae), Labcorp
Classification: Uncertain significance for Dilated cardiomyopathy 1JJ. Last evaluated: 2020-03-09. Review status: criteria provided, single submitter. Criteria: Invitae Variant Classification Sherloc (09022015). Collection method: clinical testing. Allele origin: germline.
Comment: This sequence change replaces methionine with isoleucine at codon 395 of the LAMA4 protein (p.Met395Ile). The methionine residue is highly conserved and there is a small physicochemical difference between methionine and isoleucine. In summary, the available evidence is currently insufficient to determine the role of this variant in disease. Therefore, it has been classified as a Variant of Uncertain Significance. Algorithms developed to predict the effect of missense changes on protein structure and function (SIFT, PolyPhen-2, Align-GVGD) all suggest that this variant is likely to be tolerated, but these predictions have not been confirmed by published functional studies and their clinical significance is uncertain. This variant has not been reported in the literature in individuals with LAMA4-related conditions. This variant is not present in population databases (ExAC no frequency).

NM_001105206.3(LAMA4):c.1206G>T (p.Met402Ile)

Gene: LAMA4 (laminin subunit alpha 4; minus strand). Cytogenetic location: 6q21.
Variant type: single nucleotide variant.
Coding change: c.1206G>T on transcript NM_001105206.3 (MANE Select); coding-DNA position 1206, G replaced by T.
Protein change: p.Met402Ile; replaces methionine 402 with isoleucine.
Molecular consequence: missense variant.
Genome position (GRCh38, 1-based): chr6:112,175,464, C>A on the plus strand (G>T on the coding strand, the complement: LAMA4 is on the minus strand). VCF-style: chr6-112175464-C-A. GRCh37 (hg19) VCF-style: chr6-112496666-C-A.
Other names: c.1185G>T, p.Met395Ile (NM_001105207.3, NM_002290.5); short protein forms M395I, M402I.
Identifiers: ClinVar variation 1003798 (VCV001003798.9), dbSNP rs1781968688, ClinGen allele CA365372375.